The following is an entry in ClinVar:

NM_001292063.2(OTOG):c.6659T>A (p.Leu2220His)

Gene: OTOG (otogelin; plus strand). Cytogenetic location: 11p15.1.
Variant type: single nucleotide variant.
Coding change: c.6659T>A on transcript NM_001292063.2 (MANE Select); coding-DNA position 6659, T replaced by A.
Protein change: p.Leu2220His; replaces leucine 2220 with histidine.
Molecular consequence: missense variant.
Genome position (GRCh38, 1-based): chr11:17,629,263, T>A. VCF-style: chr11-17629263-T-A. GRCh37 (hg19) VCF-style: chr11-17650810-T-A.
Other names: c.6695T>A, p.Leu2232His (NM_001277269.2); short protein forms L2220H, L2232H.
Identifiers: ClinVar variation 2046045 (VCV002046045.4), dbSNP rs2497597083, ClinGen allele CA379808201.

ClinVar aggregate classification (germline): Uncertain significance (1 of 4 stars; one submission).

Submission:

Labcorp Genetics (formerly Invitae), Labcorp
Classification: Uncertain significance. Last evaluated: 2021-12-18. Review status: criteria provided, single submitter. Criteria: Invitae Variant Classification Sherloc (09022015). Collection method: clinical testing. Allele origin: germline.
Comment: This sequence change replaces leucine, which is neutral and non-polar, with histidine, which is basic and polar, at codon 2232 of the OTOG protein (p.Leu2232His). This variant is not present in population databases (gnomAD no frequency). In summary, the available evidence is currently insufficient to determine the role of this variant in disease. Therefore, it has been classified as a Variant of Uncertain Significance. Algorithms developed to predict the effect of missense changes on protein structure and function (SIFT, PolyPhen-2, Align-GVGD) all suggest that this variant is likely to be disruptive. This variant has not been reported in the literature in individuals affected with OTOG-related conditions.